The following is an entry in ClinVar:

ClinVar aggregate classification (germline): Uncertain significance (1 of 4 stars; one submission).

gnomAD v4.1: 2 of 1,605,260 alleles (0.00012%); highest among the groups gnomAD compares: Non-Finnish European, 0.00017%; no homozygotes.

Submission:

GeneDx
Classification: Uncertain significance. Last evaluated: 2024-12-20. Review status: criteria provided, single submitter. Criteria: GeneDx Variant Classification Process June 2021. Collection method: clinical testing. Allele origin: germline.
Comment: Not observed at significant frequency in large population cohorts (gnomAD); In silico analysis indicates that this missense variant does not alter protein structure/function; Has not been previously published as pathogenic or benign to our knowledge; This variant is associated with the following publications: (PMID: 11440988)

NM_130837.3(OPA1):c.1306A>G (p.Thr436Ala)

Gene: OPA1 (OPA1 mitochondrial dynamin like GTPase; plus strand). Cytogenetic location: 3q29.
Variant type: single nucleotide variant.
Coding change: c.1306A>G on transcript NM_130837.3 (MANE Select); coding-DNA position 1306, A replaced by G.
Protein change: p.Thr436Ala; replaces threonine 436 with alanine.
Molecular consequence: missense variant.
Genome position (GRCh38, 1-based): chr3:193,643,373, A>G. VCF-style: chr3-193643373-A-G. GRCh37 (hg19) VCF-style: chr3-193361162-A-G.
Other names: c.772A>G, p.Thr258Ala (NM_001354663.2); c.769A>G, p.Thr257Ala (NM_001354664.2); c.1141A>G, p.Thr381Ala (NM_015560.3); c.1033A>G, p.Thr345Ala (NM_130831.3); c.1087A>G, p.Thr363Ala (NM_130832.3); c.1144A>G, p.Thr382Ala (NM_130833.3); c.1195A>G, p.Thr399Ala (NM_130834.3); c.1198A>G, p.Thr400Ala (NM_130835.3); and 1 more; short protein forms T257A, T258A, T345A, T363A, T381A, T382A, T399A, T400A.
Identifiers: ClinVar variation 3361298 (VCV003361298.2).